The following is an entry in ClinVar:

NM_002386.4(MC1R):c.598C>G (p.Leu200Val)

Gene: MC1R (melanocortin 1 receptor; plus strand). Cytogenetic location: 16q24.3.
Variant type: single nucleotide variant.
Coding change: c.598C>G on transcript NM_002386.4 (MANE Select); coding-DNA position 598, C replaced by G.
Protein change: p.Leu200Val; replaces leucine 200 with valine.
Molecular consequence: missense variant.
Genome position (GRCh38, 1-based): chr16:89,919,856, C>G. VCF-style: chr16-89919856-C-G. GRCh37 (hg19) VCF-style: chr16-89986264-C-G.
Other names: short protein forms L200V.
Identifiers: ClinVar variation 3871107 (VCV003871107.1).
Genomic context (GRCh38, chr16:89,919,856, plus strand): 5'-ATCGCCTACTACGACCACGTGGCCGTCCTGCTGTGCCTCGTGGTCTTCTTCCTGGCTATG[C>G]TGGTGCTCATGGCCGTGCTGTACGTCCACATGCTGGCCCGGGCCTGCCAGCACGCCCAGG-3'
Protein context (NP_002377.4, residues 190-210): LCLVVFFLAM[Leu200Val]VLMAVLYVHM

ClinVar aggregate classification (germline): Uncertain significance (1 of 4 stars; one submission).

gnomAD v4.1: 1 of 1,606,412 alleles (0.000062%); highest among the groups gnomAD compares: African/African-American, 0.0013%; no homozygotes.

Submission:

Ambry Genetics
Classification: Uncertain significance. Last evaluated: 2025-02-05. Review status: criteria provided, single submitter. Criteria: Ambry Variant Classification Scheme 2023. Collection method: clinical testing. Allele origin: germline.
Comment: The p.L200V variant (also known as c.598C>G), located in coding exon 1 of the MC1R gene, results from a C to G substitution at nucleotide position 598. The leucine at codon 200 is replaced by valine, an amino acid with highly similar properties. This amino acid position is conserved. In addition, this alteration is predicted to be tolerated by in silico analysis. Based on the available evidence, the clinical significance of this variant remains unclear.